The following is an entry in ClinVar:

ClinVar aggregate classification (germline): Uncertain significance (1 of 4 stars; one submission).

Conditions:
PIEZO2-related disorder. Also called: PIEZO2-related disorders; PIEZO2-related condition.

gnomAD v4.1: 58 of 1,537,198 alleles (0.0038%); highest among the groups gnomAD compares: East Asian, 0.0049%; 1 homozygote.

Submission:

Daryl Scott Lab, Baylor College of Medicine
Classification: Uncertain significance for PIEZO2-related disorder. Last evaluated: 2024-01-01. Review status: criteria provided, single submitter. Criteria: ACMG Guidelines, 2015. Collection method: clinical testing. Allele origin: unknown. Observed: 1 heterozygote.
Comment: PP3

NM_001378183.1(PIEZO2):c.3562G>A (p.Ala1188Thr)

Gene: PIEZO2 (piezo type mechanosensitive ion channel component 2; minus strand). Cytogenetic location: 18p11.22.
Variant type: single nucleotide variant.
Coding change: c.3562G>A on transcript NM_001378183.1 (MANE Select); coding-DNA position 3562, G replaced by A.
Protein change: p.Ala1188Thr; replaces alanine 1188 with threonine.
Molecular consequence: missense variant.
Genome position (GRCh38, 1-based): chr18:10,759,798, C>T on the plus strand (G>A on the coding strand, the complement: PIEZO2 is on the minus strand). VCF-style: chr18-10759798-C-T. GRCh37 (hg19) VCF-style: chr18-10759796-C-T.
Other names: c.3562G>A, p.Ala1188Thr (NM_001410871.1); c.3487G>A, p.Ala1163Thr (NM_022068.4); short protein forms A1163T, A1188T.
Identifiers: ClinVar variation 3764563 (VCV003764563.1).